The following is an entry in ClinVar:

ClinVar aggregate classification (germline): Pathogenic/Likely pathogenic. Review status: criteria provided, multiple submitters, no conflicts (2 of 4 stars). 3 submissions from 3 submitters: Pathogenic (1); Likely pathogenic (1). 1 of the submissions does not count toward it. Last evaluated 2023-08-10.

Conditions:
PRPH2-related disorder. Also called: PRPH2-related condition; PRPH2-related disorders. Identifiers: MedGen CN239395.

Allele frequency attached by ClinVar (database versions not stated): gnomAD exomes below 0.00001.

Submissions (3):

Labcorp Genetics (formerly Invitae), Labcorp
Classification: Pathogenic for PRPH2-related disorder. Last evaluated: 2023-08-10. Review status: criteria provided, single submitter. Criteria: Invitae Variant Classification Sherloc (09022015). Collection method: clinical testing. Allele origin: germline.
Comment: For these reasons, this variant has been classified as Pathogenic. ClinVar contains an entry for this variant (Variation ID: 866802). This premature translational stop signal has been observed in individual(s) with clinical features of PRPH2-related conditions (PMID: 29555955). This variant is not present in population databases (gnomAD no frequency). This sequence change creates a premature translational stop signal (p.Tyr257*) in the PRPH2 gene. It is expected to result in an absent or disrupted protein product. Loss-of-function variants in PRPH2 are known to be pathogenic (PMID: 8111389, 8485575, 8485576, 8675410, 16916875, 17504850, 22863181, 25675413, 26061163, 27365499, 29555955, 33546218).

Blueprint Genetics
Classification: Likely pathogenic for PRPH2-related disorders. Last evaluated: 2018-08-03. Review status: criteria provided, single submitter. Criteria: ACMG Guidelines, 2015. Collection method: clinical testing. Allele origin: germline. Affected: yes. Observed: 1 variant allele.

Leiden Open Variation Database
Classification: Pathogenic. Last evaluated: 2021-02-14. Review status: no assertion criteria provided. Collection method: curation. Allele origin: germline. Affected: yes. Not counted in ClinVar's aggregate classification.
Comment: Curator: Global Variome, with Curator vacancy. Submitter to LOVD: LOVD.

Literature cited by the submitters: PubMed 29555955 (cited by Labcorp Genetics (formerly Invitae), Labcorp and Leiden Open Variation Database); PubMed 8111389 (cited by Labcorp Genetics (formerly Invitae), Labcorp); PubMed 8485575 (cited by Labcorp Genetics (formerly Invitae), Labcorp); PubMed 8485576 (cited by Labcorp Genetics (formerly Invitae), Labcorp); PubMed 8675410 (cited by Labcorp Genetics (formerly Invitae), Labcorp); PubMed 16916875 (cited by Labcorp Genetics (formerly Invitae), Labcorp); PubMed 17504850 (cited by Labcorp Genetics (formerly Invitae), Labcorp); PubMed 22863181 (cited by Labcorp Genetics (formerly Invitae), Labcorp); PubMed 25675413 (cited by Labcorp Genetics (formerly Invitae), Labcorp); PubMed 26061163 (cited by Labcorp Genetics (formerly Invitae), Labcorp); PubMed 27365499 (cited by Labcorp Genetics (formerly Invitae), Labcorp); PubMed 33546218 (cited by Labcorp Genetics (formerly Invitae), Labcorp).

NM_000322.5(PRPH2):c.771C>G (p.Tyr257Ter)

Gene: PRPH2 (peripherin 2; minus strand). Cytogenetic location: 6p21.1.
Variant type: single nucleotide variant.
Coding change: c.771C>G on transcript NM_000322.5 (MANE Select); coding-DNA position 771, C replaced by G.
Protein change: p.Tyr257Ter; replaces tyrosine 257 with a stop codon.
Molecular consequence: nonsense.
Genome position (GRCh38, 1-based): chr6:42,704,422, G>C on the plus strand (C>G on the coding strand, the complement: PRPH2 is on the minus strand). VCF-style: chr6-42704422-G-C. GRCh37 (hg19) VCF-style: chr6-42672160-G-C.
Other names: short protein forms Y257*.
Identifiers: ClinVar variation 866802 (VCV000866802.6), dbSNP rs1800110757, ClinGen allele CA364134862.